The following is an entry in ClinVar:

NC_000023.10:g.(?_69080668)_(69177002_?)dup

Gene: EDA (ectodysplasin A; plus strand). Cytogenetic location: Xq13.1.
Variant type: Duplication.
Identifiers: ClinVar variation 458651 (VCV000458651.2).

ClinVar aggregate classification (germline): Pathogenic (1 of 4 stars; one submission).

Conditions:
Hypohidrotic X-linked ectodermal dysplasia (XHED). Also called: Ectodermal Dysplasia 1, Anhidrotic; ECTODERMAL DYSPLASIA, HYPOHIDROTIC, 1; CST SYNDROME; ECTODERMAL DYSPLASIA 1; Christ-Siemans-Touraine syndrome; Anhidrotic ectodermal dysplasia X-linked. Identifiers: Orphanet 181, Orphanet 238468, MedGen C0162359, MONDO:0010585, OMIM 305100.

Submission:

Labcorp Genetics (formerly Invitae), Labcorp
Classification: Pathogenic for Hypohidrotic X-linked ectodermal dysplasia. Last evaluated: 2019-11-01. Review status: criteria provided, single submitter. Criteria: Invitae Variant Classification Sherloc (09022015). Collection method: clinical testing. Allele origin: germline.
Comment: This variant is a gross duplication of the genomic region encompassing exon 2 of the EDA gene. While the exact position of the duplicated exon cannot be determined from this data, the duplicated copy of this region is likely in tandem and may result in an absent or disrupted protein product. Duplication of exon 2 has been reported in individuals affected with X-linked hypohidrotic ectodermal dysplasia (PMID: 27305980, 24689965). Sub-genic duplications are generally in tandem (PMID: 25640679), and result in an absent or disrupted protein. Loss-of-function variants in EDA are known to be pathogenic (PMID: 9683615). For these reasons, this variant has been classified as Pathogenic.

Literature cited by the submitters: PubMed 24689965; PubMed 27305980.